The following is an entry in ClinVar:

NM_001854.4(COL11A1):c.913G>T (p.Asp305Tyr)

Gene: COL11A1 (collagen type XI alpha 1 chain; minus strand). Cytogenetic location: 1p21.1.
Variant type: single nucleotide variant.
Coding change: c.913G>T on transcript NM_001854.4 (MANE Select); coding-DNA position 913, G replaced by T.
Protein change: p.Asp305Tyr; replaces aspartic acid 305 with tyrosine.
Molecular consequence: missense variant. On other transcripts: non-coding transcript variant (1), intron variant (1).
Genome position (GRCh38, 1-based): chr1:103,025,598, C>A on the plus strand (G>T on the coding strand, the complement: COL11A1 is on the minus strand). VCF-style: chr1-103025598-C-A. GRCh37 (hg19) VCF-style: chr1-103491154-C-A.
Other names: c.796G>T, p.Asp266Tyr (NM_001190709.2); c.949G>T, p.Asp317Tyr (NM_080629.3); c.897+618G>T (NM_080630.4); short protein forms D266Y, D305Y, D317Y.
Identifiers: ClinVar variation 1105830 (VCV001105830.14), dbSNP rs779346604, ClinGen allele CA975193.

ClinVar aggregate classification (germline): Conflicting classifications of pathogenicity. Review status: criteria provided, conflicting classifications (1 of 4 stars). 3 submissions from 3 submitters: Uncertain significance (1); Likely benign (2). Last evaluated 2026-01-26.

Allele frequency attached by ClinVar (database versions not stated): TOPMed 0.00003; gnomAD 0.00004; gnomAD exomes 0.00005; ExAC 0.00007.
gnomAD v4.1: 73 of 1,613,436 alleles (0.0045%); highest among the groups gnomAD compares: Non-Finnish European, 0.0056%; no homozygotes.

Submissions (3):

Labcorp Genetics (formerly Invitae), Labcorp
Classification: Likely benign. Last evaluated: 2026-01-26. Review status: criteria provided, single submitter. Criteria: Invitae Variant Classification Sherloc (09022015). Collection method: clinical testing. Allele origin: germline.

Blueprint Genetics
Classification: Likely benign. Last evaluated: 2023-12-22. Review status: criteria provided, single submitter. Criteria: ACMG Guidelines, 2015. Collection method: clinical testing. Allele origin: germline.

GeneDx
Classification: Uncertain significance. Last evaluated: 2022-05-20. Review status: criteria provided, single submitter. Criteria: GeneDx Variant Classification Process June 2021. Collection method: clinical testing. Allele origin: germline. Affected: yes.
Comment: In silico analysis supports that this missense variant does not alter protein structure/function; Has not been previously published as pathogenic or benign to our knowledge; Not located in the triple helical region, where the majority of pathogenic missense variants occur (Acke et al., 2014, HGMD); This variant is associated with the following publications: (PMID: 25240749)